The following is an entry in ClinVar:

ClinVar aggregate classification (germline): Uncertain significance (1 of 4 stars; one submission).

Conditions:
Leukocyte adhesion deficiency 3. Also called: INTEGRIN ACTIVATION DEFICIENCY DISEASE; LEUKOCYTE ADHESION DEFICIENCY 1 VARIANT; Leukocyte adhesion deficiency, type III. Identifiers: Orphanet 2968, Orphanet 99844, MedGen C2748536, MONDO:0013016, OMIM 612840.

Allele frequency attached by ClinVar (database versions not stated): gnomAD 0.00001; gnomAD exomes 0.00001; ExAC 0.00002.
gnomAD v4.1: 6 of 1,614,084 alleles (0.00037%); highest among the groups gnomAD compares: Admixed American, 0.0083%; no homozygotes.

Submission:

Labcorp Genetics (formerly Invitae), Labcorp
Classification: Uncertain significance for Leukocyte adhesion deficiency 3. Last evaluated: 2022-05-30. Review status: criteria provided, single submitter. Criteria: Invitae Variant Classification Sherloc (09022015). Collection method: clinical testing. Allele origin: germline.
Comment: This sequence change replaces alanine, which is neutral and non-polar, with valine, which is neutral and non-polar, at codon 246 of the FERMT3 protein (p.Ala246Val). This variant is present in population databases (rs762829818, gnomAD 0.009%). This variant has not been reported in the literature in individuals affected with FERMT3-related conditions. Algorithms developed to predict the effect of missense changes on protein structure and function output the following: SIFT: "Tolerated"; PolyPhen-2: "Benign"; Align-GVGD: "Class C0". The valine amino acid residue is found in multiple mammalian species, which suggests that this missense change does not adversely affect protein function. In summary, the available evidence is currently insufficient to determine the role of this variant in disease. Therefore, it has been classified as a Variant of Uncertain Significance.

NM_031471.6(FERMT3):c.737C>T (p.Ala246Val)

Gene: FERMT3 (FERM domain containing kindlin 3; plus strand). Cytogenetic location: 11q13.1.
Variant type: single nucleotide variant.
Coding change: c.737C>T on transcript NM_031471.6 (MANE Select); coding-DNA position 737, C replaced by T.
Protein change: p.Ala246Val; replaces alanine 246 with valine.
Molecular consequence: missense variant.
Genome position (GRCh38, 1-based): chr11:64,211,698, C>T. VCF-style: chr11-64211698-C-T. GRCh37 (hg19) VCF-style: chr11-63979170-C-T.
Other names: c.737C>T, p.Ala246Val (NM_001382361.1, NM_001382362.1, NM_001382448.1 and 1 more transcripts); c.197C>T, p.Ala66Val (NM_001382363.1, NM_001382364.1); short protein forms A66V, A246V.
Identifiers: ClinVar variation 1991913 (VCV001991913.1), dbSNP rs762829818, ClinGen allele CA6068880.